The following is an entry in ClinVar:

GRCh37/hg19 15q11.2(chr15:22832874-23223352)x1

Genes: CYFIP1 (cytoplasmic FMR1 interacting protein 1; minus strand), NIPA1 (NIPA magnesium transporter 1; plus strand), NIPA2 (NIPA magnesium transporter 2; plus strand), TUBGCP5 (tubulin gamma complex associated protein 5; minus strand). Cytogenetic location: 15q11.2.
Variant type: copy number loss.
Change: copy number 1 (one copy instead of two) of chr15:22,832,874-23,223,352 (390.5 kb, GRCh37 coordinates, 1-based), cytogenetic band 15q11.2.
Identifiers: ClinVar variation 1328464 (VCV001328464.4).

ClinVar aggregate classification (germline): Pathogenic (1 of 4 stars; one submission).

Submission:

Illumina Laboratory Services, Illumina
Classification: Pathogenic. Last evaluated: 2021-01-14. Review status: criteria provided, single submitter. Criteria: ICSL CNVClassificationCriteria Aug2020. Collection method: clinical testing. Allele origin: unknown.
Comment: This CNV is a 390 kb loss of 15q11.2, on chromosome 15, (seq[GRCH37]del(15)(q11.2); chr15:g.22832874_23223352del) of unknown inheritance. This CNV constitutes a loss encompassing six genes: WHAMMP3, LOC283683, NIPA1, NIPA2, CYFIP1 and TUBGCP5. The CNV overlaps the well-described 15q11.2 microdeletion syndrome which has been reported in many cases in the literature. Based on collective evidence, this CNV is classified as pathogenic.